The following is an entry in ClinVar:

ClinVar aggregate classification (germline): Pathogenic. Review status: criteria provided, single submitter (1 of 4 stars). 2 submissions from 2 submitters: Pathogenic (1). 1 of the submissions does not count toward it. Last evaluated 2021-07-21.

Conditions:
Finnish congenital nephrotic syndrome (NPHS1). Also called: NEPHROTIC SYNDROME, TYPE 1. Identifiers: Orphanet 839, MedGen C0403399, MONDO:0009732, OMIM 256300.

Allele frequency attached by ClinVar (database versions not stated): gnomAD exomes below 0.00001; TOPMed below 0.00001; ExAC 0.00001.
gnomAD v4.1: 1 of 1,612,410 alleles (0.000062%); highest among the groups gnomAD compares: Non-Finnish European, 0.000085%; no homozygotes.

Submissions (2):

Labcorp Genetics (formerly Invitae), Labcorp
Classification: Pathogenic. Last evaluated: 2021-07-21. Review status: criteria provided, single submitter. Criteria: Invitae Variant Classification Sherloc (09022015). Collection method: clinical testing. Allele origin: germline.
Comment: For these reasons, this variant has been classified as Pathogenic. Algorithms developed to predict the effect of sequence changes on RNA splicing suggest that this variant may create or strengthen a splice site. ClinVar contains an entry for this variant (Variation ID: 370574). This variant has not been reported in the literature in individuals affected with NPHS1-related conditions. This variant is present in population databases (rs751809997, ExAC no frequency). This sequence change creates a premature translational stop signal (p.Trp707*) in the NPHS1 gene. It is expected to result in an absent or disrupted protein product. Loss-of-function variants in NPHS1 are known to be pathogenic (PMID: 11317351, 11854170, 12039988).

Counsyl
Classification: Likely pathogenic for Finnish congenital nephrotic syndrome. Last evaluated: 2016-02-29. Review status: no assertion criteria provided. Collection method: clinical testing. Allele origin: unknown. Not counted in ClinVar's aggregate classification.

Literature cited by the submitters: PubMed 11317351 (cited by Labcorp Genetics (formerly Invitae), Labcorp); PubMed 11854170 (cited by Labcorp Genetics (formerly Invitae), Labcorp); PubMed 12039988 (cited by Labcorp Genetics (formerly Invitae), Labcorp).

NM_004646.4(NPHS1):c.2120G>A (p.Trp707Ter)

Gene: NPHS1 (NPHS1 adhesion molecule, nephrin; minus strand). Cytogenetic location: 19q13.12.
Variant type: single nucleotide variant.
Coding change: c.2120G>A on transcript NM_004646.4 (MANE Select); coding-DNA position 2120, G replaced by A.
Protein change: p.Trp707Ter; replaces tryptophan 707 with a stop codon.
Molecular consequence: nonsense.
Genome position (GRCh38, 1-based): chr19:35,844,195, C>T on the plus strand (G>A on the coding strand, the complement: NPHS1 is on the minus strand). VCF-style: chr19-35844195-C-T. GRCh37 (hg19) VCF-style: chr19-36335097-C-T.
Other names: short protein forms W707*.
Identifiers: ClinVar variation 370574 (VCV000370574.9), dbSNP rs751809997, ClinGen allele CA9390226.
Genomic context (GRCh38, chr19:35,844,195, plus strand): 5'-GTGCCCTCAGAGTTCTGGCAGTGCAGCTGATAGAGGCCGTCGTCCGCGCGGGTCACATTC[C>T]ACAGATGCAGAGCCCCGCTGGACAGGATGCGATGCCGGGGGCCGCCCGCTGGGGAAGGCC-3'